The following is an entry in ClinVar:

NM_000135.4(FANCA):c.1084-5T>G

Gene: FANCA (FA complementation group A; minus strand). Cytogenetic location: 16q24.3.
Variant type: single nucleotide variant.
Coding change: c.1084-5T>G on transcript NM_000135.4 (MANE Select); 5 bases into the intron before coding-DNA position 1084, T replaced by G.
Molecular consequence: intron variant.
Genome position (GRCh38, 1-based): chr16:89,792,073, A>C on the plus strand (T>G on the coding strand, the complement: FANCA is on the minus strand). VCF-style: chr16-89792073-A-C. GRCh37 (hg19) VCF-style: chr16-89858481-A-C.
Other names: c.1084-5T>G (NM_001286167.3).
Identifiers: ClinVar variation 2706168 (VCV002706168.3), dbSNP rs2040094866, ClinGen allele CA2241925841.
Genomic context (GRCh38, chr16:89,792,073, plus strand): 5'-TCCAGAACTTCTTGCAAATGGCCAACCAACTCCTCTGCACTCAGCATCACAAAGAGCTGA[A>C]ATAAAAGCATCCGCTCCCTTCAATATCCAAGCAAACCAATGTGCGACAGATGACCCCTCA-3'

ClinVar aggregate classification (germline): Uncertain significance (1 of 4 stars; one submission).

Conditions:
Fanconi anemia (FA). Also called: Fanconi's anemia. Identifiers: Orphanet 84, MedGen C0015625, MeSH D005199, MONDO:0019391.

Allele frequency attached by ClinVar (database versions not stated): gnomAD exomes below 0.00001; TOPMed 0.00001.
gnomAD v4.1: 1 of 1,614,202 alleles (0.000062%); highest among the groups gnomAD compares: Non-Finnish European, 0.000085%; no homozygotes.

Submission:

Labcorp Genetics (formerly Invitae), Labcorp
Classification: Uncertain significance for Fanconi anemia. Last evaluated: 2023-10-02. Review status: criteria provided, single submitter. Criteria: Invitae Variant Classification Sherloc (09022015). Collection method: clinical testing. Allele origin: germline.
Comment: In summary, the available evidence is currently insufficient to determine the role of this variant in disease. Therefore, it has been classified as a Variant of Uncertain Significance. Algorithms developed to predict the effect of sequence changes on RNA splicing suggest that this variant may disrupt the consensus splice site. This variant has not been reported in the literature in individuals affected with FANCA-related conditions. This variant is not present in population databases (gnomAD no frequency). This sequence change falls in intron 12 of the FANCA gene. It does not directly change the encoded amino acid sequence of the FANCA protein.